The following is an entry in ClinVar:

NM_024642.5(GALNT12):c.1681C>T (p.Pro561Ser)

Gene: GALNT12 (polypeptide N-acetylgalactosaminyltransferase 12; plus strand). Cytogenetic location: 9q22.33.
Variant type: single nucleotide variant.
Coding change: c.1681C>T on transcript NM_024642.5 (MANE Select); coding-DNA position 1681, C replaced by T.
Protein change: p.Pro561Ser; replaces proline 561 with serine.
Molecular consequence: missense variant.
Genome position (GRCh38, 1-based): chr9:98,849,027, C>T. VCF-style: chr9-98849027-C-T. GRCh37 (hg19) VCF-style: chr9-101611309-C-T.
Other names: short protein forms P561S.
Identifiers: ClinVar variation 4261497 (VCV004261497.1).

ClinVar aggregate classification (germline): Uncertain significance (1 of 4 stars; one submission).

Submission:

Ambry Genetics
Classification: Uncertain significance. Last evaluated: 2025-08-10. Review status: criteria provided, single submitter. Criteria: Ambry Variant Classification Scheme 2023. Collection method: clinical testing. Allele origin: germline.
Comment: The p.P561S variant (also known as c.1681C>T), located in coding exon 10 of the GALNT12 gene, results from a C to T substitution at nucleotide position 1681. The proline at codon 561 is replaced by serine, an amino acid with similar properties. This amino acid position is conserved. In addition, this alteration is predicted to be tolerated by in silico analysis. Based on the available evidence, the clinical significance of this variant remains unclear.